The following is an entry in ClinVar:

ClinVar aggregate classification (germline): Uncertain significance (1 of 4 stars; one submission).

gnomAD v4.1: 112 of 1,614,180 alleles (0.0069%); highest among the groups gnomAD compares: Non-Finnish European, 0.0088%; no homozygotes.

Submission:

Labcorp Genetics (formerly Invitae), Labcorp
Classification: Uncertain significance. Last evaluated: 2025-05-25. Review status: criteria provided, single submitter. Criteria: Invitae Variant Classification Sherloc (09022015). Collection method: clinical testing. Allele origin: germline.
Comment: This sequence change affects codon 421 of the ARHGEF10 mRNA. It is a 'silent' change, meaning that it does not change the encoded amino acid sequence of the ARHGEF10 protein. This variant is present in population databases (rs200412472, gnomAD 0.008%). This variant has not been reported in the literature in individuals affected with ARHGEF10-related conditions. ClinVar contains an entry for this variant (Variation ID: 3632902). Algorithms developed to predict the effect of sequence changes on RNA splicing suggest that this variant may disrupt the consensus splice site. In summary, the available evidence is currently insufficient to determine the role of this variant in disease. Therefore, it has been classified as a Variant of Uncertain Significance.

NM_014629.4(ARHGEF10):c.1263A>G (p.Gln421=)

Gene: ARHGEF10 (Rho guanine nucleotide exchange factor 10; plus strand). Cytogenetic location: 8p23.3.
Variant type: single nucleotide variant.
Coding change: c.1263A>G on transcript NM_014629.4 (MANE Select); coding-DNA position 1263, A replaced by G.
Protein change: p.Gln421=; no amino-acid change (glutamine 421 retained).
Molecular consequence: synonymous variant.
Genome position (GRCh38, 1-based): chr8:1,894,395, A>G. VCF-style: chr8-1894395-A-G. GRCh37 (hg19) VCF-style: chr8-1842561-A-G.
Other names: c.1149A>G, p.Gln383= (NM_001308152.2); c.1266A>G, p.Gln422= (NM_001308153.3).
Identifiers: ClinVar variation 3632902 (VCV003632902.2).